The following is an entry in ClinVar:

ClinVar aggregate classification (germline): Uncertain significance (1 of 4 stars; one submission).

Submission:

GeneDx
Classification: Uncertain significance. Last evaluated: 2024-01-03. Review status: criteria provided, single submitter. Criteria: GeneDx Variant Classification Process June 2021. Collection method: clinical testing. Allele origin: germline. Affected: yes.
Comment: Not observed at significant frequency in large population cohorts (gnomAD); In silico analysis supports that this missense variant has a deleterious effect on protein structure/function; Missense variants in this gene are a common cause of disease and they are underrepresented in the general population; This substitution is predicted to be within the N-terminal cytoplasmic domain; Has not been previously published as pathogenic or benign to our knowledge

NM_001040142.2(SCN2A):c.1427G>T (p.Gly476Val)

Gene: SCN2A (sodium voltage-gated channel alpha subunit 2; plus strand). Cytogenetic location: 2q24.3.
Variant type: single nucleotide variant.
Coding change: c.1427G>T on transcript NM_001040142.2 (MANE Select); coding-DNA position 1427, G replaced by T.
Protein change: p.Gly476Val; replaces glycine 476 with valine.
Molecular consequence: missense variant.
Genome position (GRCh38, 1-based): chr2:165,315,514, G>T. VCF-style: chr2-165315514-G-T. GRCh37 (hg19) VCF-style: chr2-166172024-G-T.
Other names: c.1427G>T, p.Gly476Val (NM_001040143.2, NM_001371246.1, NM_001371247.1 and 1 more transcripts); short protein forms G476V.
Identifiers: ClinVar variation 3367449 (VCV003367449.1).